The following is an entry in ClinVar:

NM_005198.5(CHKB):c.961A>G (p.Lys321Glu)

Genes: CHKB (choline kinase beta; minus strand), CHKB-CPT1B (CHKB-CPT1B readthrough (NMD candidate); minus strand). Cytogenetic location: 22q13.33.
Variant type: single nucleotide variant.
Coding change: c.961A>G on transcript NM_005198.5 (MANE Select); coding-DNA position 961, A replaced by G.
Protein change: p.Lys321Glu; replaces lysine 321 with glutamic acid.
Molecular consequence: missense variant. On other transcripts: non-coding transcript variant (1).
Genome position (GRCh38, 1-based): chr22:50,579,797, T>C on the plus strand (A>G on the coding strand, the complement: CHKB is on the minus strand). VCF-style: chr22-50579797-T-C. GRCh37 (hg19) VCF-style: chr22-51018226-T-C.
Other names: short protein forms K321E.
Identifiers: ClinVar variation 850226 (VCV000850226.5), dbSNP rs143218928, ClinGen allele CA10323558.

ClinVar aggregate classification (germline): Uncertain significance. Review status: criteria provided, multiple submitters, no conflicts (2 of 4 stars). 2 submissions from 2 submitters: Uncertain significance (2). Last evaluated 2022-05-26.

Conditions:
Inborn genetic diseases. Identifiers: MedGen C0950123, MeSH D030342.
Megaconial type congenital muscular dystrophy (MDCMC). Also called: CHKB-Related Muscle Diseases; CHKB-Related Muscular Dystrophy; MUSCULAR DYSTROPHY, CONGENITAL, WITH MITOCHONDRIAL STRUCTURAL ABNORMALITIES. Identifiers: Orphanet 280671, MedGen C1865233, MONDO:0011246, OMIM 602541.

Allele frequency attached by ClinVar (database versions not stated): gnomAD exomes below 0.00001; ExAC 0.00001; gnomAD 0.00001; TOPMed 0.00001; ESP Exome Variant Server 0.00008.
gnomAD v4.1: 6 of 1,613,894 alleles (0.00037%); highest among the groups gnomAD compares: African/African-American, 0.0027%; no homozygotes.

Submissions (2):

Ambry Genetics
Classification: Uncertain significance for Inborn genetic diseases. Last evaluated: 2022-05-26. Review status: criteria provided, single submitter. Criteria: Ambry Variant Classification Scheme 2023. Collection method: clinical testing. Allele origin: germline.

Labcorp Genetics (formerly Invitae), Labcorp
Classification: Uncertain significance for Megaconial type congenital muscular dystrophy. Last evaluated: 2021-09-29. Review status: criteria provided, single submitter. Criteria: Invitae Variant Classification Sherloc (09022015). Collection method: clinical testing. Allele origin: germline.
Comment: This sequence change replaces lysine with glutamic acid at codon 321 of the CHKB protein (p.Lys321Glu). The lysine residue is weakly conserved and there is a small physicochemical difference between lysine and glutamic acid. This variant is present in population databases (rs143218928, ExAC 0.01%). This variant has not been reported in the literature in individuals affected with CHKB-related conditions. Algorithms developed to predict the effect of missense changes on protein structure and function (SIFT, PolyPhen-2, Align-GVGD) all suggest that this variant is likely to be tolerated. In summary, the available evidence is currently insufficient to determine the role of this variant in disease. Therefore, it has been classified as a Variant of Uncertain Significance.